The following is an entry in ClinVar:

ClinVar aggregate classification (germline): Uncertain significance (1 of 4 stars; one submission).

Conditions:
Congenital muscular hypertrophy-cerebral syndrome (CDLS2). Also called: Cornelia de Lange syndrome 2; SMC1A-Related Cornelia de Lange Syndrome. Identifiers: Orphanet 199, MedGen C1802395, MONDO:0010370, OMIM 300590.

Submission:

Labcorp Genetics (formerly Invitae), Labcorp
Classification: Uncertain significance for Congenital muscular hypertrophy-cerebral syndrome. Last evaluated: 2022-04-16. Review status: criteria provided, single submitter. Criteria: Invitae Variant Classification Sherloc (09022015). Collection method: clinical testing. Allele origin: germline.
Comment: In summary, the available evidence is currently insufficient to determine the role of this variant in disease. Therefore, it has been classified as a Variant of Uncertain Significance. Advanced modeling of protein sequence and biophysical properties (such as structural, functional, and spatial information, amino acid conservation, physicochemical variation, residue mobility, and thermodynamic stability) performed at Invitae indicates that this missense variant is not expected to disrupt SMC1A protein function. This variant has not been reported in the literature in individuals affected with SMC1A-related conditions. This variant is not present in population databases (gnomAD no frequency). This sequence change replaces leucine, which is neutral and non-polar, with valine, which is neutral and non-polar, at codon 407 of the SMC1A protein (p.Leu407Val).

NM_006306.4(SMC1A):c.1219C>G (p.Leu407Val)

Gene: SMC1A (structural maintenance of chromosomes 1A; minus strand). Cytogenetic location: Xp11.22.
Variant type: single nucleotide variant.
Coding change: c.1219C>G on transcript NM_006306.4 (MANE Select); coding-DNA position 1219, C replaced by G.
Protein change: p.Leu407Val; replaces leucine 407 with valine.
Molecular consequence: missense variant.
Genome position (GRCh38, 1-based): chrX:53,411,796, G>C on the plus strand (C>G on the coding strand, the complement: SMC1A is on the minus strand). VCF-style: chrX-53411796-G-C. GRCh37 (hg19) VCF-style: chrX-53438746-G-C.
Other names: c.1153C>G, p.Leu385Val (NM_001281463.1); short protein forms L407V, L385V.
Identifiers: ClinVar variation 2127073 (VCV002127073.4), dbSNP rs2520955837, ClinGen allele CA413256480.